The following is an entry in ClinVar:

ClinVar aggregate classification (germline): Uncertain significance (1 of 4 stars; one submission).

Conditions:
Charcot-Marie-Tooth disease dominant intermediate B (CMTDIB). Also called: CHARCOT-MARIE-TOOTH NEUROPATHY, DOMINANT INTERMEDIATE B; Charcot-Marie-Tooth disease dominant intermediate 1; CMT DI1; Charcot-Marie-Tooth disease dominant intermediate I. Identifiers: Orphanet 100044, Orphanet 228179, MedGen C1847902, MONDO:0011674, OMIM 606482.

Submission:

Labcorp Genetics (formerly Invitae), Labcorp
Classification: Uncertain significance for Charcot-Marie-Tooth disease dominant intermediate B. Last evaluated: 2023-05-03. Review status: criteria provided, single submitter. Criteria: Invitae Variant Classification Sherloc (09022015). Collection method: clinical testing. Allele origin: germline.
Comment: Advanced modeling of protein sequence and biophysical properties (such as structural, functional, and spatial information, amino acid conservation, physicochemical variation, residue mobility, and thermodynamic stability) has been performed at Invitae for this missense variant, however the output from this modeling did not meet the statistical confidence thresholds required to predict the impact of this variant on DNM2 protein function. In summary, the available evidence is currently insufficient to determine the role of this variant in disease. Therefore, it has been classified as a Variant of Uncertain Significance. This variant has not been reported in the literature in individuals affected with DNM2-related conditions. This variant is not present in population databases (gnomAD no frequency). This sequence change replaces tyrosine, which is neutral and polar, with cysteine, which is neutral and slightly polar, at codon 463 of the DNM2 protein (p.Tyr463Cys).

NM_001005361.3(DNM2):c.1388A>G (p.Tyr463Cys)

Gene: DNM2 (dynamin 2; plus strand). Cytogenetic location: 19p13.2.
Variant type: single nucleotide variant.
Coding change: c.1388A>G on transcript NM_001005361.3 (MANE Select); coding-DNA position 1388, A replaced by G.
Protein change: p.Tyr463Cys; replaces tyrosine 463 with cysteine.
Molecular consequence: missense variant.
Genome position (GRCh38, 1-based): chr19:10,798,538, A>G. VCF-style: chr19-10798538-A-G. GRCh37 (hg19) VCF-style: chr19-10909214-A-G.
Other names: c.1388A>G, p.Tyr463Cys (NM_001005360.3, NM_001005362.3, NM_001190716.2 and 1 more transcripts); short protein forms Y463C.
Identifiers: ClinVar variation 2891187 (VCV002891187.3), dbSNP rs2513248130, ClinGen allele CA404049617.